The following is an entry in ClinVar:

ClinVar aggregate classification (germline): Likely benign (0 of 4 stars; one submission).

Conditions:
SOX8-related disorder. Also called: SOX8-related condition.

Allele frequency attached by ClinVar (database versions not stated): gnomAD exomes 0.00002; ExAC 0.00007; 1000 Genomes Project 30x 0.00016.

Submission:

PreventionGenetics, part of Exact Sciences
Classification: Likely benign for SOX8-related condition. Last evaluated: 2019-08-14. Review status: no assertion criteria provided. Collection method: clinical testing. Allele origin: germline.
Comment: This variant is classified as likely benign based on ACMG/AMP sequence variant interpretation guidelines (Richards et al. 2015 PMID: 25741868, with internal and published modifications).

NM_014587.5(SOX8):c.1128C>T (p.Phe376=)

Gene: SOX8 (SRY-box transcription factor 8; plus strand). Cytogenetic location: 16p13.3.
Variant type: single nucleotide variant.
Coding change: c.1128C>T on transcript NM_014587.5 (MANE Select); coding-DNA position 1128, C replaced by T.
Protein change: p.Phe376=; no amino-acid change (phenylalanine 376 retained).
Molecular consequence: synonymous variant.
Genome position (GRCh38, 1-based): chr16:985,173, C>T. VCF-style: chr16-985173-C-T. GRCh37 (hg19) VCF-style: chr16-1035173-C-T.
Identifiers: ClinVar variation 3053788 (VCV003053788.2), dbSNP rs755889006, ClinGen allele CA7798367.